The following is an entry in ClinVar:

ClinVar aggregate classification (germline): Uncertain significance. Review status: criteria provided, multiple submitters, no conflicts (2 of 4 stars). 5 submissions from 5 submitters: Uncertain significance (4). 1 of the submissions does not count toward it. Last evaluated 2025-11-16.

Conditions:
Hereditary cancer-predisposing syndrome. Also called: Hereditary Cancer Syndrome; Neoplastic Syndromes, Hereditary; Tumor predisposition; Hereditary neoplastic syndrome. Identifiers: Orphanet 140162, MedGen C0027672, MeSH D009386, MONDO:0015356.
Ataxia-telangiectasia syndrome (AT). Also called: Ataxia telangiectasia (A-T); Ataxia-telangiectasia, complementation group E; LOUIS-BAR SYNDROME; Cerebello-oculocutaneous telangiectasia; Immunodeficiency with ataxia telangiectasia; Ataxia-telangiectasia, complementation group D. Identifiers: Orphanet 100, MedGen C0004135, MONDO:0008840, OMIM 208900.
Familial cancer of breast. Also called: Hereditary breast cancer; hereditary breast carcinoma; BREAST CANCER, FAMILIAL. Identifiers: Orphanet 227535, MedGen C0346153, MONDO:0016419, OMIM 114480. Disease mechanism: loss of function.

Allele frequency attached by ClinVar (database versions not stated): gnomAD exomes 0.00001; ExAC 0.00002.
gnomAD v4.1: 10 of 1,614,116 alleles (0.00062%); highest among the groups gnomAD compares: South Asian, 0.0044%; no homozygotes.

Submissions (5):

Labcorp Genetics (formerly Invitae), Labcorp
Classification: Uncertain significance for Ataxia-telangiectasia syndrome. Last evaluated: 2025-11-16. Review status: criteria provided, single submitter. Criteria: Invitae Variant Classification Sherloc (09022015). Collection method: clinical testing. Allele origin: germline.
Comment: This sequence change replaces isoleucine, which is neutral and non-polar, with threonine, which is neutral and polar, at codon 1525 of the ATM protein (p.Ile1525Thr). This variant is present in population databases (rs755274980, gnomAD 0.006%). This missense change has been observed in individual(s) with breast cancer (PMID: 16832357, 19781682). ClinVar contains an entry for this variant (Variation ID: 230535). Invitae Evidence Modeling of protein sequence and biophysical properties (such as structural, functional, and spatial information, amino acid conservation, physicochemical variation, residue mobility, and thermodynamic stability) indicates that this missense variant is not expected to disrupt ATM protein function with a negative predictive value of 95%. In summary, the available evidence is currently insufficient to determine the role of this variant in disease. Therefore, it has been classified as a Variant of Uncertain Significance.

Ambry Genetics
Classification: Uncertain significance for Hereditary cancer-predisposing syndrome. Last evaluated: 2024-02-29. Review status: criteria provided, single submitter. Criteria: Ambry Variant Classification Scheme 2023. Collection method: clinical testing. Allele origin: germline.
Comment: The p.I1525T variant (also known as c.4574T>C), located in coding exon 29 of the ATM gene, results from a T to C substitution at nucleotide position 4574. The isoleucine at codon 1525 is replaced by threonine, an amino acid with similar properties. In a large study of familial breast cancer families, this variant was identified in 1/443 cases and absent in 521 controls (Renwick A et al. Nat. Genet., 2006 Aug;38:873-5). This alteration was detected in a patient with familial ataxia; however, no other alterations in the ATM gene were reported and the patient was noted to carry a pathogenic mutation in the PRNP gene (Radziwonki W et al. J Appl Genet., 2022 Sep;63(3):513-525). This amino acid position is well conserved in available vertebrate species. In addition, this alteration is predicted to be tolerated by in silico analysis. Based on the available evidence, the clinical significance of this alteration remains unclear.

Department of Pathology and Laboratory Medicine, Sinai Health System
Classification: Uncertain significance for Familial cancer of breast. Last evaluated: 2022-06-15. Review status: criteria provided, single submitter. Criteria: ACMG Guidelines, 2015. Collection method: clinical testing. Allele origin: germline. Affected: yes.

Color Diagnostics, LLC DBA Color Health
Classification: Uncertain significance for Hereditary cancer-predisposing syndrome. Last evaluated: 2019-01-11. Review status: criteria provided, single submitter. Criteria: ACMG Guidelines, 2015. Collection method: clinical testing. Allele origin: germline.

Natera, Inc.
Classification: Uncertain significance for Ataxia-telangiectasia. Last evaluated: 2021-06-22. Review status: no assertion criteria provided. Collection method: clinical testing. Allele origin: germline. Not counted in ClinVar's aggregate classification.

Literature cited by the submitters: PubMed 16832357 (cited by 3 submitters); PubMed 19781682 (cited by Labcorp Genetics (formerly Invitae), Labcorp).

NM_000051.4(ATM):c.4574T>C (p.Ile1525Thr)

Gene: ATM (ATM serine/threonine kinase; plus strand). Cytogenetic location: 11q22.3.
Variant type: single nucleotide variant.
Coding change: c.4574T>C on transcript NM_000051.4 (MANE Select); coding-DNA position 4574, T replaced by C.
Protein change: p.Ile1525Thr; replaces isoleucine 1525 with threonine.
Molecular consequence: missense variant.
Genome position (GRCh38, 1-based): chr11:108,292,756, T>C. VCF-style: chr11-108292756-T-C. GRCh37 (hg19) VCF-style: chr11-108163483-T-C.
Other names: c.4574T>C, p.Ile1525Thr (NM_001351834.2); short protein forms I1525T.
Identifiers: ClinVar variation 230535 (VCV000230535.25), dbSNP rs755274980, ClinGen allele CA6265496.